The following is an entry in ClinVar:

NM_005378.6(MYCN):c.221C>G (p.Pro74Arg)

Genes: MYCN (MYCN proto-oncogene, bHLH transcription factor; plus strand), MYCNOS (MYCN opposite strand; minus strand). Cytogenetic location: 2p24.3.
Variant type: single nucleotide variant.
Coding change: c.221C>G on transcript NM_005378.6 (MANE Select); coding-DNA position 221, C replaced by G.
Protein change: p.Pro74Arg; replaces proline 74 with arginine.
Molecular consequence: missense variant. On other transcripts: non-coding transcript variant (1), 3 prime UTR variant (1), intron variant (1).
Genome position (GRCh38, 1-based): chr2:15,942,285, C>G. VCF-style: chr2-15942285-C-G. GRCh37 (hg19) VCF-style: chr2-16082407-C-G.
Other names: c.221C>G, p.Pro74Arg (NM_001293228.2); c.*156C>G (NM_001293233.2); c.157+1542C>G (NM_001293231.2); short protein forms P74R.
Identifiers: ClinVar variation 1308103 (VCV001308103.2), dbSNP rs757360369, ClinGen allele CA345930420.

ClinVar aggregate classification (germline): Uncertain significance (1 of 4 stars; one submission).

Submission:

GeneDx
Classification: Uncertain significance. Last evaluated: 2019-08-22. Review status: criteria provided, single submitter. Criteria: GeneDx Variant Classification Process June 2021. Collection method: clinical testing. Allele origin: germline. Affected: yes.
Comment: Not observed in large population cohorts (Lek et al., 2016); In silico analysis, which includes protein predictors and evolutionary conservation, supports a deleterious effect; Has not been previously published as pathogenic or benign to our knowledge